The following is an entry in ClinVar:

NM_198488.5(SACK1H):c.789A>G (p.Gln263=)

Gene: SACK1H (scaffolding CK1 anchoring protein H; minus strand). Cytogenetic location: 8q24.3.
Variant type: single nucleotide variant.
Coding change: c.789A>G on transcript NM_198488.5 (MANE Select); coding-DNA position 789, A replaced by G.
Protein change: p.Gln263=; no amino-acid change (glutamine 263 retained).
Molecular consequence: synonymous variant.
Genome position (GRCh38, 1-based): chr8:143,728,672, T>C on the plus strand (A>G on the coding strand, the complement: SACK1H is on the minus strand). VCF-style: chr8-143728672-T-C. GRCh37 (hg19) VCF-style: chr8-144810842-T-C.
Identifiers: ClinVar variation 3239030 (VCV003239030.19), dbSNP rs2538664028.

ClinVar aggregate classification (germline): Likely benign (1 of 4 stars; one submission).

Submission:

CeGaT Center for Human Genetics Tuebingen
Classification: Likely benign. Last evaluated: 2024-05-01. Review status: criteria provided, single submitter. Criteria: CeGaT Center For Human Genetics Tuebingen Variant Classification Criteria Version 2. Collection method: clinical testing. Allele origin: germline. Affected: yes. Observed: 1 variant allele.
Comment: SACK1H: PM2:Supporting, BP4, BP7